The following is an entry in ClinVar:

NM_004168.4(SDHA):c.1842G>T (p.Gln614His)

Gene: SDHA (succinate dehydrogenase complex flavoprotein subunit A; plus strand). Cytogenetic location: 5p15.33.
Variant type: single nucleotide variant.
Coding change: c.1842G>T on transcript NM_004168.4 (MANE Select); coding-DNA position 1842, G replaced by T.
Protein change: p.Gln614His; replaces glutamine 614 with histidine.
Molecular consequence: missense variant.
Genome position (GRCh38, 1-based): chr5:254,440, G>T. VCF-style: chr5-254440-G-T. GRCh37 (hg19) VCF-style: chr5-254555-G-T.
Other names: c.1698G>T, p.Gln566His (NM_001294332.2); c.1599G>T, p.Gln533His (NM_001330758.2); short protein forms Q566H, Q614H, Q533H.
Identifiers: ClinVar variation 4843559 (VCV004843559.1).

ClinVar aggregate classification (germline): Uncertain significance (1 of 4 stars; one submission).

Conditions:
Hereditary cancer-predisposing syndrome. Also called: Neoplastic Syndromes, Hereditary; Tumor predisposition; Hereditary Cancer Syndrome; Hereditary neoplastic syndrome. Identifiers: Orphanet 140162, MedGen C0027672, MeSH D009386, MONDO:0015356.

Submission:

Ambry Genetics
Classification: Uncertain significance for Hereditary cancer-predisposing syndrome. Last evaluated: 2026-01-14. Review status: criteria provided, single submitter. Criteria: Ambry Variant Classification Scheme 2023. Collection method: clinical testing. Allele origin: germline.
Comment: The p.Q614H variant (also known as c.1842G>T), located in coding exon 14 of the SDHA gene, results from a G to T substitution at nucleotide position 1842. The glutamine at codon 614 is replaced by histidine, an amino acid with highly similar properties. This amino acid position is conserved. In addition, this alteration is predicted to be tolerated by in silico analysis. Based on the available evidence, the clinical significance of this variant remains unclear.